The following is an entry in ClinVar:

ClinVar aggregate classification (germline): Uncertain significance (1 of 4 stars; one submission).

Conditions:
RYR1-related disorder. Also called: RYR1-related condition; RYR1-related disorders. Identifiers: MedGen CN239331.

gnomAD v4.1: 3 of 1,613,632 alleles (0.00019%); highest among the groups gnomAD compares: Admixed American, 0.005%; no homozygotes.

Submission:

Labcorp Genetics (formerly Invitae), Labcorp
Classification: Uncertain significance for RYR1-related disorder. Last evaluated: 2023-11-13. Review status: criteria provided, single submitter. Criteria: Invitae Variant Classification Sherloc (09022015). Collection method: clinical testing. Allele origin: germline.
Comment: This sequence change replaces proline, which is neutral and non-polar, with leucine, which is neutral and non-polar, at codon 1780 of the RYR1 protein (p.Pro1780Leu). This variant is present in population databases (no rsID available, gnomAD 0.006%). This variant has not been reported in the literature in individuals affected with RYR1-related conditions. Advanced modeling of protein sequence and biophysical properties (such as structural, functional, and spatial information, amino acid conservation, physicochemical variation, residue mobility, and thermodynamic stability) performed at Invitae indicates that this missense variant is not expected to disrupt RYR1 protein function with a negative predictive value of 95%. In summary, the available evidence is currently insufficient to determine the role of this variant in disease. Therefore, it has been classified as a Variant of Uncertain Significance.

NM_000540.3(RYR1):c.5339C>T (p.Pro1780Leu)

Gene: RYR1 (ryanodine receptor 1; plus strand). Cytogenetic location: 19q13.2.
Variant type: single nucleotide variant.
Coding change: c.5339C>T on transcript NM_000540.3 (MANE Select); coding-DNA position 5339, C replaced by T.
Protein change: p.Pro1780Leu; replaces proline 1780 with leucine.
Molecular consequence: missense variant.
Genome position (GRCh38, 1-based): chr19:38,485,994, C>T. VCF-style: chr19-38485994-C-T. GRCh37 (hg19) VCF-style: chr19-38976634-C-T.
Other names: c.5339C>T, p.Pro1780Leu (NM_001042723.2); short protein forms P1780L.
Identifiers: ClinVar variation 2909223 (VCV002909223.3), dbSNP rs369480385, ClinGen allele CA9415808.
Genomic context (GRCh38, chr19:38,485,994, plus strand): 5'-ATGGCCTGCCGGGAGTTGGAGTCACCACTTCGCTGAGGCCCCCGCATCATTTCTCGCCCC[C>T]CTGTTTCGTGGCCGCTCTGCCAGCTGCTGGGGCAGCAGAGGCCCCGGCCCGCCTCAGCCC-3'
Protein context (NP_000531.2, residues 1770-1790): SLRPPHHFSP[Pro1780Leu]CFVAALPAAG